The following is an entry in ClinVar:

NM_001458.5(FLNC):c.2375G>T (p.Ser792Ile)

Gene: FLNC (filamin C; plus strand). Cytogenetic location: 7q32.1.
Variant type: single nucleotide variant.
Coding change: c.2375G>T on transcript NM_001458.5 (MANE Select); coding-DNA position 2375, G replaced by T.
Protein change: p.Ser792Ile; replaces serine 792 with isoleucine.
Molecular consequence: missense variant.
Genome position (GRCh38, 1-based): chr7:128,842,684, G>T. VCF-style: chr7-128842684-G-T. GRCh37 (hg19) VCF-style: chr7-128482738-G-T.
Other names: c.2375G>T, p.Ser792Ile (NM_001127487.2); short protein forms S792I.
Identifiers: ClinVar variation 853324 (VCV000853324.12), dbSNP rs1227658348, ClinGen allele CA369191404.

ClinVar aggregate classification (germline): Uncertain significance. Review status: criteria provided, multiple submitters, no conflicts (2 of 4 stars). 4 submissions from 4 submitters: Uncertain significance (4). Last evaluated 2025-08-02.

Conditions:
FLNC-related disorder. Also called: FLNC-related condition; FLNC-related disorders.
Cardiovascular phenotype. Identifiers: MedGen CN230736.
Hypertrophic cardiomyopathy 26. Also called: Cardiomyopathy, familial hypertrophic, 26. Identifiers: Orphanet 75249, MedGen C4310749, MONDO:0014883, OMIM 617047.
Distal myopathy with posterior leg and anterior hand involvement. Also called: WILLIAMS DISTAL MYOPATHY. Identifiers: Orphanet 63273, MedGen C3279722, MONDO:0013550, OMIM 614065.
Myofibrillar myopathy 5. Also called: FILAMINOPATHY, AUTOSOMAL DOMINANT; Filaminopathy (type). Identifiers: Orphanet 171445, MedGen C1836050, MONDO:0012289, OMIM 609524.

Allele frequency attached by ClinVar (database versions not stated): gnomAD 0.00001; gnomAD exomes 0.00001; TOPMed 0.00002.
gnomAD v4.1: 21 of 1,554,792 alleles (0.0014%); highest among the groups gnomAD compares: Middle Eastern, 0.017%; no homozygotes.

Submissions (4):

PreventionGenetics, part of Exact Sciences
Classification: Uncertain significance for FLNC-related condition. Last evaluated: 2025-08-02. Review status: criteria provided, single submitter. Criteria: ACMG Guidelines, 2015. Collection method: clinical testing. Allele origin: germline.
Comment: The FLNC c.2375G>T variant is predicted to result in the amino acid substitution p.Ser792Ile. This variant has been reported in two individuals with hypertrophic cardiomyopathy (Jaafar et al. 2016. PubMed ID: 27574918) and in two other unrelated individuals with dilated cardiomyopathy (Janin et al. 2017. PubMed ID: 28436997). This variant is reported in 0.0040% of alleles in individuals of Latino descent in gnomAD and is interpreted as uncertain in ClinVar (Variation ID: 853324). At this time, the clinical significance of this variant is uncertain due to the absence of conclusive functional and genetic evidence.

Labcorp Genetics (formerly Invitae), Labcorp
Classification: Uncertain significance for Distal myopathy with posterior leg and anterior hand involvement; Myofibrillar myopathy 5; Hypertrophic cardiomyopathy 26. Last evaluated: 2025-07-21. Review status: criteria provided, single submitter. Criteria: Invitae Variant Classification Sherloc (09022015). Collection method: clinical testing. Allele origin: germline.
Comment: This sequence change replaces serine, which is neutral and polar, with isoleucine, which is neutral and non-polar, at codon 792 of the FLNC protein (p.Ser792Ile). The frequency data for this variant in the population databases is considered unreliable, as metrics indicate poor data quality at this position in the gnomAD database. This missense change has been observed in individuals with FLNC-related conditions (PMID: 27574918, 28436997, 35140110). ClinVar contains an entry for this variant (Variation ID: 853324). Invitae Evidence Modeling of protein sequence and biophysical properties (such as structural, functional, and spatial information, amino acid conservation, physicochemical variation, residue mobility, and thermodynamic stability) has been performed for this missense variant. However, the output from this modeling did not meet the statistical confidence thresholds required to predict the impact of this variant on FLNC protein function. In summary, the available evidence is currently insufficient to determine the role of this variant in disease. Therefore, it has been classified as a Variant of Uncertain Significance.

GeneDx
Classification: Uncertain significance. Last evaluated: 2025-06-09. Review status: criteria provided, single submitter. Criteria: GeneDx Variant Classification Process June 2021. Collection method: clinical testing. Allele origin: germline. Affected: yes.
Comment: Has been reported in two patients with reported hypertrophic cardiomyopathy in the published literature; however detailed clinical information was not specific in this publicaiton (PMID: 27574918); Not observed at significant frequency in large population cohorts (gnomAD); In silico analysis supports that this missense variant has a deleterious effect on protein structure/function; This variant is associated with the following publications: (PMID: 32112656, 28436997, 30418145, 27574918)

Ambry Genetics
Classification: Uncertain significance for Cardiovascular phenotype. Last evaluated: 2025-02-07. Review status: criteria provided, single submitter. Criteria: Ambry Variant Classification Scheme 2023. Collection method: clinical testing. Allele origin: germline.
Comment: The p.S792I variant (also known as c.2375G>T), located in coding exon 15 of the FLNC gene, results from a G to T substitution at nucleotide position 2375. The serine at codon 792 is replaced by isoleucine, an amino acid with dissimilar properties. This alteration has been reported in hypertrophic cardiomyopathy (HCM) cohorts and a dilated cardiomyopathy (DCM) cohort (Jaafar N et al. Genet Test Mol Biomarkers, 2016 Nov;20:674-679; Janin A et al. Clin Genet, 2017 Dec;92:616-623; Ader F et al. Med Sci (Paris), 2018 Nov;34 Hors s&eacute;rie n&deg;2:39-41). This amino acid position is well conserved in available vertebrate species. In addition, the in silico prediction for this alteration is inconclusive. Based on the available evidence, the clinical significance of this alteration remains unclear.

Literature cited by the submitters: PubMed 27574918 (cited by Labcorp Genetics (formerly Invitae), Labcorp and Ambry Genetics); PubMed 28436997 (cited by Labcorp Genetics (formerly Invitae), Labcorp and Ambry Genetics); PubMed 35140110 (cited by Labcorp Genetics (formerly Invitae), Labcorp); PubMed 30418145 (cited by Ambry Genetics).